The following is an entry in ClinVar:

ClinVar aggregate classification (germline): Likely benign (1 of 4 stars; one submission).

Submission:

CeGaT Center for Human Genetics Tuebingen
Classification: Likely benign. Last evaluated: 2023-07-01. Review status: criteria provided, single submitter. Criteria: CeGaT Center For Human Genetics Tuebingen Variant Classification Criteria Version 2. Collection method: clinical testing. Allele origin: germline. Affected: yes. Observed: 9 variant alleles.
Comment: EZH2: BS2

NM_004456.5(EZH2):c.-73GCG[7]

Genes: EZH2 (enhancer of zeste 2 polycomb repressive complex 2 subunit; minus strand), LOC129999534 (ATAC-STARR-seq lymphoblastoid silent region 18737; plus strand). Cytogenetic location: 7q36.1.
Variant type: Microsatellite.
Coding change: c.-73GCG[7] on transcript NM_004456.5 (MANE Select); seven copies in a row of the 3-base unit GCG starting at c.-73; the reference has six copies in a row; one copy, 3 bases duplicated.
Molecular consequence: 5 prime UTR variant.
Genome position (GRCh38, 1-based): chr7:148,884,212-148,884,214, CGC duplicated on the plus strand (GCG on the coding strand, the reverse complement: EZH2 is on the minus strand); duplicating any 3 consecutive bases within chr7:148,884,212-148,884,231 gives the same sequence; the position shown is the placement nearest the transcript's 3' end. VCF-style (leftmost placement, unchanged base first): chr7-148884211-G-GCGC. GRCh37 (hg19) VCF-style: chr7-148581303-G-GCGC.
Other names: c.-73GCG[7] (NM_001203247.2, NM_001203248.2, NM_152998.3).
Identifiers: ClinVar variation 359292 (VCV000359292.38), dbSNP rs886062083, ClinGen allele CA10623444.